The following is an entry in ClinVar:

ClinVar aggregate classification (germline): Uncertain significance (1 of 4 stars; one submission).

Submission:

Labcorp Genetics (formerly Invitae), Labcorp
Classification: Uncertain significance. Last evaluated: 2020-02-07. Review status: criteria provided, single submitter. Criteria: Invitae Variant Classification Sherloc (09022015). Collection method: clinical testing. Allele origin: germline.
Comment: This sequence change replaces serine with threonine at codon 736 of the IMPG2 protein (p.Ser736Thr). The serine residue is weakly conserved and there is a small physicochemical difference between serine and threonine. This variant is not present in population databases (ExAC no frequency). This variant has not been reported in the literature in individuals with IMPG2-related conditions. Algorithms developed to predict the effect of missense changes on protein structure and function output the following: SIFT: "Tolerated"; PolyPhen-2: "Benign"; Align-GVGD: "Class C0". The threonine amino acid residue is found in multiple mammalian species, suggesting that this missense change does not adversely affect protein function. These predictions have not been confirmed by published functional studies and their clinical significance is uncertain. In summary, the available evidence is currently insufficient to determine the role of this variant in disease. Therefore, it has been classified as a Variant of Uncertain Significance.

NM_016247.4(IMPG2):c.2206T>A (p.Ser736Thr)

Gene: IMPG2 (interphotoreceptor matrix proteoglycan 2; minus strand). Cytogenetic location: 3q12.3.
Variant type: single nucleotide variant.
Coding change: c.2206T>A on transcript NM_016247.4 (MANE Select); coding-DNA position 2206, T replaced by A.
Protein change: p.Ser736Thr; replaces serine 736 with threonine.
Molecular consequence: missense variant.
Genome position (GRCh38, 1-based): chr3:101,244,125, A>T on the plus strand (T>A on the coding strand, the complement: IMPG2 is on the minus strand). VCF-style: chr3-101244125-A-T. GRCh37 (hg19) VCF-style: chr3-100962969-A-T.
Other names: short protein forms S736T.
Identifiers: ClinVar variation 1053622 (VCV001053622.9), dbSNP rs2107219963, ClinGen allele CA353858401.
Genomic context (GRCh38, chr3:101,244,125, plus strand): 5'-AGTTGGATGACTCAGTAATTTGTTCCATATCCTCCCTTAGGATGGCATCTGCCTGATCTG[A>T]TTTATCAGTAGAGGCAGAGATTGCTACAGATGTCAGTATAAGAGGTGCTTTGGTAACTGA-3'
Protein context (NP_057331.2, residues 726-746): SVAISASTDK[Ser736Thr]DQADAILRED